The following is an entry in ClinVar:

ClinVar aggregate classification (germline): Likely benign. Review status: criteria provided, multiple submitters, no conflicts (2 of 4 stars). 2 submissions from 2 submitters: Likely benign (2). Last evaluated 2023-12-09.

Conditions:
Spastic paraplegia. Identifiers: MedGen C0037772, HP:0001258.

Allele frequency attached by ClinVar (database versions not stated): gnomAD exomes below 0.00001; TOPMed below 0.00001.
gnomAD v4.1: 3 of 1,614,118 alleles (0.00019%); highest among the groups gnomAD compares: Non-Finnish European, 0.00025%; no homozygotes.

Submissions (2):

Labcorp Genetics (formerly Invitae), Labcorp
Classification: Likely benign for Spastic paraplegia. Last evaluated: 2023-12-09. Review status: criteria provided, single submitter. Criteria: Invitae Variant Classification Sherloc (09022015). Collection method: clinical testing. Allele origin: germline.

CeGaT Center for Human Genetics Tuebingen
Classification: Likely benign. Last evaluated: 2023-02-01. Review status: criteria provided, single submitter. Criteria: CeGaT Center For Human Genetics Tuebingen Variant Classification Criteria Version 2. Collection method: clinical testing. Allele origin: germline. Affected: yes. Observed: 1 variant allele.
Comment: SACS: BP4, BP7

NM_014363.6(SACS):c.4113T>A (p.Ile1371=)

Gene: SACS (sacsin molecular chaperone; minus strand). Cytogenetic location: 13q12.12.
Variant type: single nucleotide variant.
Coding change: c.4113T>A on transcript NM_014363.6 (MANE Select); coding-DNA position 4113, T replaced by A.
Protein change: p.Ile1371=; no amino-acid change (isoleucine 1371 retained).
Molecular consequence: synonymous variant.
Genome position (GRCh38, 1-based): chr13:23,339,763, A>T on the plus strand (T>A on the coding strand, the complement: SACS is on the minus strand). VCF-style: chr13-23339763-A-T. GRCh37 (hg19) VCF-style: chr13-23913902-A-T.
Other names: c.3672T>A, p.Ile1224= (NM_001278055.2).
Identifiers: ClinVar variation 1121775 (VCV001121775.32), dbSNP rs1395418477, ClinGen allele CA483163079.